The following is an entry in ClinVar:

NM_005188.4(CBL):c.71G>C (p.Gly24Ala)

Genes: CBL (Cbl proto-oncogene; plus strand), LOC130006895 (ATAC-STARR-seq lymphoblastoid silent region 3975; plus strand). Cytogenetic location: 11q23.3.
Variant type: single nucleotide variant.
Coding change: c.71G>C on transcript NM_005188.4 (MANE Select); coding-DNA position 71, G replaced by C.
Protein change: p.Gly24Ala; replaces glycine 24 with alanine.
Molecular consequence: missense variant.
Genome position (GRCh38, 1-based): chr11:119,206,488, G>C. VCF-style: chr11-119206488-G-C. GRCh37 (hg19) VCF-style: chr11-119077198-G-C.
Other names: short protein forms G24A.
Identifiers: ClinVar variation 1757658 (VCV001757658.5), dbSNP rs1188757026, ClinGen allele CA382975946.

ClinVar aggregate classification (germline): Conflicting classifications of pathogenicity. Review status: criteria provided, conflicting classifications (1 of 4 stars). 2 submissions from 2 submitters: Uncertain significance (1); Likely benign (1). Last evaluated 2025-06-29.

Conditions:
Cardiovascular phenotype. Identifiers: MedGen CN230736.
RASopathy. Also called: rasopathies; Noonan spectrum disorder. Identifiers: Orphanet 536391, MedGen C5555857, MONDO:0021060.

Allele frequency attached by ClinVar (database versions not stated): TOPMed below 0.00001; gnomAD exomes below 0.00001; gnomAD 0.00001.
gnomAD v4.1: 3 of 1,572,518 alleles (0.00019%); highest among the groups gnomAD compares: African/African-American, 0.0027%; no homozygotes.

Submissions (2):

Labcorp Genetics (formerly Invitae), Labcorp
Classification: Likely benign for RASopathy. Last evaluated: 2025-06-29. Review status: criteria provided, single submitter. Criteria: Invitae Variant Classification Sherloc (09022015). Collection method: clinical testing. Allele origin: germline.

Ambry Genetics
Classification: Uncertain significance for Cardiovascular phenotype. Last evaluated: 2022-05-24. Review status: criteria provided, single submitter. Criteria: Ambry Variant Classification Scheme 2023. Collection method: clinical testing. Allele origin: germline.
Comment: The p.G24A variant (also known as c.71G>C), located in coding exon 1 of the CBL gene, results from a G to C substitution at nucleotide position 71. The glycine at codon 24 is replaced by alanine, an amino acid with similar properties. This amino acid position is conserved. In addition, this alteration is predicted to be tolerated by in silico analysis. Since supporting evidence is limited at this time, the clinical significance of this alteration remains unclear.